The following is an entry in ClinVar:

NM_003235.5(TG):c.6109G>T (p.Glu2037Ter)

Gene: TG (thyroglobulin; plus strand). Cytogenetic location: 8q24.22.
Variant type: single nucleotide variant.
Coding change: c.6109G>T on transcript NM_003235.5 (MANE Select); coding-DNA position 6109, G replaced by T.
Protein change: p.Glu2037Ter; replaces glutamic acid 2037 with a stop codon.
Molecular consequence: nonsense.
Genome position (GRCh38, 1-based): chr8:132,972,651, G>T. VCF-style: chr8-132972651-G-T. GRCh37 (hg19) VCF-style: chr8-133984896-G-T.
Other names: short protein forms E2037*.
Identifiers: ClinVar variation 2765091 (VCV002765091.3), dbSNP rs1829697810, ClinGen allele CA372237413.

ClinVar aggregate classification (germline): Pathogenic (1 of 4 stars; one submission).

Allele frequency attached by ClinVar (database versions not stated): TOPMed below 0.00001.

Submission:

Labcorp Genetics (formerly Invitae), Labcorp
Classification: Pathogenic. Last evaluated: 2023-10-04. Review status: criteria provided, single submitter. Criteria: Invitae Variant Classification Sherloc (09022015). Collection method: clinical testing. Allele origin: germline.
Comment: This sequence change creates a premature translational stop signal (p.Glu2037*) in the TG gene. It is expected to result in an absent or disrupted protein product. Loss-of-function variants in TG are known to be pathogenic (PMID: 19837936, 23164529). This variant is not present in population databases (gnomAD no frequency). This variant has not been reported in the literature in individuals affected with TG-related conditions. For these reasons, this variant has been classified as Pathogenic.

Literature cited by the submitters: PubMed 19837936; PubMed 23164529.